The following is an entry in ClinVar:

NM_014822.4(SEC24D):c.3074A>G (p.Lys1025Arg)

Gene: SEC24D (SEC24 homolog D, COPII component; minus strand). Cytogenetic location: 4q26.
Variant type: single nucleotide variant.
Coding change: c.3074A>G on transcript NM_014822.4 (MANE Select); coding-DNA position 3074, A replaced by G.
Protein change: p.Lys1025Arg; replaces lysine 1025 with arginine.
Molecular consequence: missense variant.
Genome position (GRCh38, 1-based): chr4:118,723,540, T>C on the plus strand (A>G on the coding strand, the complement: SEC24D is on the minus strand). VCF-style: chr4-118723540-T-C. GRCh37 (hg19) VCF-style: chr4-119644695-T-C.
Other names: c.3077A>G, p.Lys1026Arg (NM_001318066.2); c.3074A>G (NM_014822.2); short protein forms K1026R, K1025R.
Identifiers: ClinVar variation 1525459 (VCV001525459.7), dbSNP rs193163880, ClinGen allele CA104638507.
Genomic context (GRCh38, chr4:118,723,540, plus strand): 5'-TTGGAAATGCAACATCAATGACAGAGAAGTTTCAATTAATTAAGCAGCTGACAGATCTCC[T>C]TGTGAACACAACAAAGGAAATCCACATAAGAAGAGCCTCCGTAAAGTCCTTTGTCTTCTA-3'
Protein context (NP_055637.2, residues 1015-1032): SYVDFLCCVH[Lys1025Arg]EICQLLN

ClinVar aggregate classification (germline): Uncertain significance. Review status: criteria provided, multiple submitters, no conflicts (2 of 4 stars). 2 submissions from 2 submitters: Uncertain significance (2). Last evaluated 2025-08-21.

Conditions:
Inborn genetic diseases. Identifiers: MedGen C0950123, MeSH D030342.

Allele frequency attached by ClinVar (database versions not stated): gnomAD exomes 0.00002 and 0.00005; TOPMed 0.00002; gnomAD 0.00001 and 0.00003; 1000 Genomes Project 0.00020; 1000 Genomes Project 30x 0.00031.
gnomAD v4.1: 17 of 1,613,448 alleles (0.0011%); highest among the groups gnomAD compares: Admixed American, 0.025%; no homozygotes.

Submissions (2):

Labcorp Genetics (formerly Invitae), Labcorp
Classification: Uncertain significance. Last evaluated: 2025-08-21. Review status: criteria provided, single submitter. Criteria: Invitae Variant Classification Sherloc (09022015). Collection method: clinical testing. Allele origin: germline.
Comment: This sequence change replaces lysine with arginine at codon 1025 of the SEC24D protein (p.Lys1025Arg). The lysine residue is moderately conserved and there is a small physicochemical difference between lysine and arginine. This variant is present in population databases (rs193163880, gnomAD 0.03%). This variant has not been reported in the literature in individuals affected with SEC24D-related conditions. ClinVar contains an entry for this variant (Variation ID: 1525459). An algorithm developed to predict the effect of missense changes on protein structure and function (PolyPhen-2) suggests that this variant is likely to be tolerated. In summary, the available evidence is currently insufficient to determine the role of this variant in disease. Therefore, it has been classified as a Variant of Uncertain Significance.

Ambry Genetics
Classification: Uncertain significance for Inborn genetic diseases. Last evaluated: 2024-05-15. Review status: criteria provided, single submitter. Criteria: Ambry Variant Classification Scheme 2023. Collection method: clinical testing. Allele origin: germline.